The following is an entry in ClinVar:

ClinVar aggregate classification (germline): Conflicting classifications of pathogenicity. Review status: criteria provided, conflicting classifications (1 of 4 stars). 2 submissions from 2 submitters: Uncertain significance (1); Likely benign (1). Last evaluated 2022-04-22.

Conditions:
Inborn genetic diseases. Identifiers: MedGen C0950123, MeSH D030342.
Cataract 5 multiple types (CTRCT5). Also called: CATARACT, MARNER TYPE; CATARACT 5, LAMELLAR; Lamellar cataract. Identifiers: Orphanet 91492, MedGen C0266537, MONDO:0007290, OMIM 116800, HP:0007971.

Allele frequency attached by ClinVar (database versions not stated): ExAC 0.00004; gnomAD 0.00004 and 0.00003; gnomAD exomes 0.00004; ESP Exome Variant Server 0.00008; TOPMed 0.00007.
gnomAD v4.1: 131 of 1,613,892 alleles (0.0081%); highest among the groups gnomAD compares: Middle Eastern, 0.082%; no homozygotes.

Submissions (2):

Ambry Genetics
Classification: Uncertain significance for Inborn genetic diseases. Last evaluated: 2022-04-22. Review status: criteria provided, single submitter. Criteria: Ambry Variant Classification Scheme 2023. Collection method: clinical testing. Allele origin: germline.

Illumina Laboratory Services, Illumina
Classification: Likely benign for Cataract 5 multiple types. Last evaluated: 2018-01-13. Review status: criteria provided, single submitter. Criteria: ICSL Variant Classification Criteria 13 December 2019. Collection method: clinical testing. Allele origin: germline.
Comment: This variant was observed in the ICSL laboratory as part of a predisposition screen in an ostensibly healthy population. It had not been previously curated by ICSL or reported in the Human Gene Mutation Database (HGMD: prior to June 1st, 2018), and was therefore a candidate for classification through an automated scoring system. Utilizing variant allele frequency, disease prevalence and penetrance estimates, and inheritance mode, an automated score was calculated to assess if this variant is too frequent to cause the disease. Based on the score and internal cut-off values, a variant classified as likely benign is not then subjected to further curation. The score for this variant resulted in a classification of likely benign for this disease.

NM_001374675.1(HSF4):c.1127T>C (p.Leu376Pro)

Gene: HSF4 (heat shock transcription factor 4; plus strand). Cytogenetic location: 16q22.1.
Variant type: single nucleotide variant.
Coding change: c.1127T>C on transcript NM_001374675.1 (MANE Select); coding-DNA position 1127, T replaced by C.
Protein change: p.Leu376Pro; replaces leucine 376 with proline.
Molecular consequence: missense variant.
Genome position (GRCh38, 1-based): chr16:67,168,875, T>C. VCF-style: chr16-67168875-T-C. GRCh37 (hg19) VCF-style: chr16-67202778-T-C.
Other names: c.1127T>C, p.Leu376Pro (NM_001040667.3); c.1037T>C, p.Leu346Pro (NM_001374674.1, NM_001538.4); short protein forms L346P, L376P.
Identifiers: ClinVar variation 320188 (VCV000320188.6), dbSNP rs373962350, ClinGen allele CA8102089.